The following is an entry in ClinVar:

ClinVar aggregate classification (germline): Uncertain significance (1 of 4 stars; one submission).

Submission:

Labcorp Genetics (formerly Invitae), Labcorp
Classification: Uncertain significance. Last evaluated: 2022-11-17. Review status: criteria provided, single submitter. Criteria: Invitae Variant Classification Sherloc (09022015). Collection method: clinical testing. Allele origin: germline.
Comment: In summary, the available evidence is currently insufficient to determine the role of this variant in disease. Therefore, it has been classified as a Variant of Uncertain Significance. Advanced modeling of protein sequence and biophysical properties (such as structural, functional, and spatial information, amino acid conservation, physicochemical variation, residue mobility, and thermodynamic stability) performed at Invitae indicates that this missense variant is expected to disrupt EPHA4 protein function. This variant has not been reported in the literature in individuals affected with EPHA4-related conditions. This variant is not present in population databases (gnomAD no frequency). This sequence change replaces alanine, which is neutral and non-polar, with valine, which is neutral and non-polar, at codon 792 of the EPHA4 protein (p.Ala792Val).

NM_004438.5(EPHA4):c.2375C>T (p.Ala792Val)

Gene: EPHA4 (EPH receptor A4; minus strand). Cytogenetic location: 2q36.1.
Variant type: single nucleotide variant.
Coding change: c.2375C>T on transcript NM_004438.5 (MANE Select); coding-DNA position 2375, C replaced by T.
Protein change: p.Ala792Val; replaces alanine 792 with valine.
Molecular consequence: missense variant.
Genome position (GRCh38, 1-based): chr2:221,434,263, G>A on the plus strand (C>T on the coding strand, the complement: EPHA4 is on the minus strand). VCF-style: chr2-221434263-G-A. GRCh37 (hg19) VCF-style: chr2-222298983-G-A.
Other names: c.2375C>T, p.Ala792Val (NM_001304536.2, NM_001363748.2); c.2222C>T, p.Ala741Val (NM_001304537.2); short protein forms A792V, A741V.
Identifiers: ClinVar variation 2814873 (VCV002814873.3), dbSNP rs772762078, ClinGen allele CA350407287.